The following is an entry in ClinVar:

ClinVar aggregate classification (germline): Uncertain significance. Review status: criteria provided, multiple submitters, no conflicts (2 of 4 stars). 2 submissions from 2 submitters: Uncertain significance (2). Last evaluated 2023-02-04.

Conditions:
Myopathy, proximal, and ophthalmoplegia (CMYO6). Also called: INCLUSION BODY MYOPATHY 3, AUTOSOMAL DOMINANT; CONGENITAL MYOPATHY 6 WITH OPHTHALMOPLEGIA; MYOPATHY WITH CONGENITAL JOINT CONTRACTURES, OPHTHALMOPLEGIA, AND RIMMED VACUOLES. Identifiers: Orphanet 363677, Orphanet 79091, MedGen C1854106, MONDO:0011577, OMIM 605637.

Allele frequency attached by ClinVar (database versions not stated): gnomAD exomes below 0.00001; ExAC 0.00001; TOPMed 0.00002.
gnomAD v4.1: 7 of 1,614,214 alleles (0.00043%); highest among the groups gnomAD compares: Admixed American, 0.0083%; no homozygotes.

Submissions (2):

Labcorp Genetics (formerly Invitae), Labcorp
Classification: Uncertain significance for Myopathy, proximal, and ophthalmoplegia. Last evaluated: 2023-02-04. Review status: criteria provided, single submitter. Criteria: Invitae Variant Classification Sherloc (09022015). Collection method: clinical testing. Allele origin: germline.
Comment: In summary, the available evidence is currently insufficient to determine the role of this variant in disease. Therefore, it has been classified as a Variant of Uncertain Significance. Advanced modeling of protein sequence and biophysical properties (such as structural, functional, and spatial information, amino acid conservation, physicochemical variation, residue mobility, and thermodynamic stability) performed at Invitae indicates that this missense variant is expected to disrupt MYH2 protein function. This variant has not been reported in the literature in individuals affected with MYH2-related conditions. This variant is present in population databases (rs766408611, gnomAD 0.01%). This sequence change replaces glutamic acid, which is acidic and polar, with glycine, which is neutral and non-polar, at codon 889 of the MYH2 protein (p.Glu889Gly).

Revvity Omics, Revvity
Classification: Uncertain significance for Myopathy, proximal, and ophthalmoplegia. Last evaluated: 2019-02-06. Review status: criteria provided, single submitter. Criteria: ACMG Guidelines, 2015. Collection method: clinical testing. Allele origin: germline.

NM_017534.6(MYH2):c.2666A>G (p.Glu889Gly)

Genes: MYH2 (myosin heavy chain 2; minus strand), MYHAS (myosin heavy chain gene cluster antisense RNA; plus strand). Cytogenetic location: 17p13.1.
Variant type: single nucleotide variant.
Coding change: c.2666A>G on transcript NM_017534.6 (MANE Select); coding-DNA position 2666, A replaced by G.
Protein change: p.Glu889Gly; replaces glutamic acid 889 with glycine.
Molecular consequence: missense variant.
Genome position (GRCh38, 1-based): chr17:10,531,664, T>C on the plus strand (A>G on the coding strand, the complement: MYH2 is on the minus strand). VCF-style: chr17-10531664-T-C. GRCh37 (hg19) VCF-style: chr17-10434981-T-C.
Other names: c.2666A>G (NM_017534.5); c.2666A>G, p.Glu889Gly (NM_001100112.2); short protein forms E889G.
Identifiers: ClinVar variation 2195415 (VCV002195415.7), dbSNP rs766408611, ClinGen allele CA8391087.